The following is an entry in ClinVar:

ClinVar aggregate classification (germline): Pathogenic (1 of 4 stars; one submission).

Conditions:
Complement component 3 deficiency. Identifiers: Orphanet 280133, MedGen C3151071, MONDO:0013417, OMIM 613779.

Submission:

Genomenon, Inc
Classification: Pathogenic for Complement component 3 deficiency. Last evaluated: 2025-09-30. Review status: criteria provided, single submitter. Criteria: Genomenon Sequence Variant Interpretation Standards. Collection method: curation. Allele origin: germline. Affected: yes.
Comment: C3 c.1004-2A>T is a canonical splice variant located in the acceptor splice region of intron 9. This variant has been observed in at least one proband affected with C3 deficiency (PMID:21501302). At least one splicing study identified that this variant results in aberrant splicing (PMID:21501302). It is absent or not present at a significant frequency in gnomAD. In conclusion, we classify C3 c.1004-2A>T as a pathogenic variant.

Literature cited by the submitters: PubMed 21501302.

NM_000064.4(C3):c.1004-2A>T

Gene: C3 (complement C3; minus strand). Cytogenetic location: 19p13.3.
Variant type: single nucleotide variant.
Coding change: c.1004-2A>T on transcript NM_000064.4 (MANE Select); the canonical splice acceptor site of the intron before coding-DNA position 1004, A replaced by T.
Molecular consequence: splice acceptor variant.
Genome position (GRCh38, 1-based): chr19:6,712,625, T>A on the plus strand (A>T on the coding strand, the complement: C3 is on the minus strand). VCF-style: chr19-6712625-T-A. GRCh37 (hg19) VCF-style: chr19-6712636-T-A.
Identifiers: ClinVar variation 4280249 (VCV004280249.1).
Genomic context (GRCh38, chr19:6,712,625, plus strand): 5'-CTGGTAGGGAGAGGTCACGATGGGGATCCCGCTGCGCTCTGCCTGCACCATGTCACTGCC[T>A]GAGGGGACCAGCTGTGAGTGTAGGCTTCTGGGCCACCCCTCAGGATTAGACCTCCTCCCT-3'